The following is an entry in ClinVar:

ClinVar aggregate classification (germline): Uncertain significance. Review status: criteria provided, multiple submitters, no conflicts (2 of 4 stars). 2 submissions from 2 submitters: Uncertain significance (2). Last evaluated 2024-03-18.

Conditions:
Hereditary cancer-predisposing syndrome. Also called: Tumor predisposition; Neoplastic Syndromes, Hereditary; Hereditary Cancer Syndrome; Hereditary neoplastic syndrome. Identifiers: Orphanet 140162, MedGen C0027672, MeSH D009386, MONDO:0015356.
Familial cancer of breast. Also called: Hereditary breast cancer; BREAST CANCER, FAMILIAL; hereditary breast carcinoma. Identifiers: Orphanet 227535, MedGen C0346153, MONDO:0016419, OMIM 114480. Disease mechanism: loss of function.

Allele frequency attached by ClinVar (database versions not stated): gnomAD exomes below 0.00001.

Submissions (2):

Labcorp Genetics (formerly Invitae), Labcorp
Classification: Uncertain significance for Familial cancer of breast. Last evaluated: 2024-03-18. Review status: criteria provided, single submitter. Criteria: Invitae Variant Classification Sherloc (09022015). Collection method: clinical testing. Allele origin: germline.
Comment: This sequence change replaces serine, which is neutral and polar, with cysteine, which is neutral and slightly polar, at codon 387 of the PALB2 protein (p.Ser387Cys). This variant is present in population databases (no rsID available, gnomAD 0.0009%). This variant has not been reported in the literature in individuals affected with PALB2-related conditions. ClinVar contains an entry for this variant (Variation ID: 241524). Advanced modeling of protein sequence and biophysical properties (such as structural, functional, and spatial information, amino acid conservation, physicochemical variation, residue mobility, and thermodynamic stability) performed at Invitae indicates that this missense variant is expected to disrupt PALB2 protein function with a positive predictive value of 80%. In summary, the available evidence is currently insufficient to determine the role of this variant in disease. Therefore, it has been classified as a Variant of Uncertain Significance.

Ambry Genetics
Classification: Uncertain significance for Hereditary cancer-predisposing syndrome. Last evaluated: 2023-11-11. Review status: criteria provided, single submitter. Criteria: Ambry Variant Classification Scheme 2023. Collection method: clinical testing. Allele origin: germline.
Comment: The p.S387C variant (also known as c.1160C>G), located in coding exon 4 of the PALB2 gene, results from a C to G substitution at nucleotide position 1160. The serine at codon 387 is replaced by cysteine, an amino acid with dissimilar properties. This amino acid position is not well conserved in available vertebrate species. In addition, this alteration is predicted to be tolerated by in silico analysis. Since supporting evidence is limited at this time, the clinical significance of this alteration remains unclear.

NM_024675.4(PALB2):c.1160C>G (p.Ser387Cys)

Gene: PALB2 (partner and localizer of BRCA2; minus strand). Cytogenetic location: 16p12.2.
Variant type: single nucleotide variant.
Coding change: c.1160C>G on transcript NM_024675.4 (MANE Select); coding-DNA position 1160, C replaced by G.
Protein change: p.Ser387Cys; replaces serine 387 with cysteine.
Molecular consequence: missense variant.
Genome position (GRCh38, 1-based): chr16:23,635,386, G>C on the plus strand (C>G on the coding strand, the complement: PALB2 is on the minus strand). VCF-style: chr16-23635386-G-C. GRCh37 (hg19) VCF-style: chr16-23646707-G-C.
Other names: short protein forms S387C.
Identifiers: ClinVar variation 241524 (VCV000241524.15), dbSNP rs587781863, ClinGen allele CA10583376.